The following is an entry in ClinVar:

NM_199420.4(POLQ):c.1168G>T (p.Val390Leu)

Gene: POLQ (DNA polymerase theta; minus strand). Cytogenetic location: 3q13.33.
Variant type: single nucleotide variant.
Coding change: c.1168G>T on transcript NM_199420.4 (MANE Select); coding-DNA position 1168, G replaced by T.
Protein change: p.Val390Leu; replaces valine 390 with leucine.
Molecular consequence: missense variant.
Genome position (GRCh38, 1-based): chr3:121,522,090, C>A on the plus strand (G>T on the coding strand, the complement: POLQ is on the minus strand). VCF-style: chr3-121522090-C-A. GRCh37 (hg19) VCF-style: chr3-121240937-C-A.
Other names: short protein forms V390L.
Identifiers: ClinVar variation 3229816 (VCV003229816.1), dbSNP rs867258788, ClinGen allele CA81856750.

ClinVar aggregate classification (germline): Uncertain significance (1 of 4 stars; one submission).

Submission:

Ambry Genetics
Classification: Uncertain significance. Last evaluated: 2024-03-07. Review status: criteria provided, single submitter. Criteria: Ambry Variant Classification Scheme 2023. Collection method: clinical testing. Allele origin: germline.
Comment: The p.V390L variant (also known as c.1168G>T), located in coding exon 8 of the POLQ gene, results from a G to T substitution at nucleotide position 1168. The valine at codon 390 is replaced by leucine, an amino acid with highly similar properties. This amino acid position is conserved. In addition, this alteration is predicted to be tolerated by in silico analysis. Based on the available evidence, the clinical significance of this alteration remains unclear.